The following is an entry in ClinVar:

NM_015175.3(NBEAL2):c.1340G>A (p.Arg447His)

Gene: NBEAL2 (neurobeachin like 2; plus strand). Cytogenetic location: 3p21.31.
Variant type: single nucleotide variant.
Coding change: c.1340G>A on transcript NM_015175.3 (MANE Select); coding-DNA position 1340, G replaced by A.
Protein change: p.Arg447His; replaces arginine 447 with histidine.
Molecular consequence: missense variant.
Genome position (GRCh38, 1-based): chr3:46,995,075, G>A. VCF-style: chr3-46995075-G-A. GRCh37 (hg19) VCF-style: chr3-47036565-G-A.
Other names: c.1238G>A, p.Arg413His (NM_001365116.2); short protein forms R447H, R413H.
Identifiers: ClinVar variation 260577 (VCV000260577.11), dbSNP rs17079425, ClinGen allele CA2360366.

ClinVar aggregate classification (germline): Benign/Likely benign. Review status: criteria provided, multiple submitters, no conflicts (2 of 4 stars). 7 submissions from 7 submitters: Benign (6); Likely benign (1). Last evaluated 2026-01-31.

Conditions:
Gray platelet syndrome (GPS). Also called: BLEEDING DISORDER, PLATELET-TYPE, 4. Identifiers: Orphanet 721, MedGen C0272302, MONDO:0007686, OMIM 139090.

Allele frequency attached by ClinVar (database versions not stated): ESP Exome Variant Server 0.02094; gnomAD 0.03601 and 0.03817; TOPMed 0.04812; 1000 Genomes Project 30x 0.05840; 1000 Genomes Project 0.06150; ExAC 0.08939.
gnomAD v4.1: 45,107 of 1,558,994 alleles (2.9%); highest among the groups gnomAD compares: Admixed American, 18%; 1,955 homozygotes.

Submissions (7):

Labcorp Genetics (formerly Invitae), Labcorp
Classification: Benign. Last evaluated: 2026-01-31. Review status: criteria provided, single submitter. Criteria: Invitae Variant Classification Sherloc (09022015). Collection method: clinical testing. Allele origin: germline.

Blueprint Genetics
Classification: Likely benign. Last evaluated: 2024-11-26. Review status: criteria provided, single submitter. Criteria: ACMG Guidelines, 2015. Collection method: clinical testing. Allele origin: germline.

Mayo Clinic Laboratories, Mayo Clinic
Classification: Benign. Last evaluated: 2022-09-29. Review status: criteria provided, single submitter. Criteria: ACMG Guidelines, 2015. Collection method: clinical testing. Allele origin: germline. Observed: 46 variant alleles.

GeneDx
Classification: Benign. Last evaluated: 2021-06-09. Review status: criteria provided, single submitter. Criteria: GeneDx Variant Classification Process June 2021. Collection method: clinical testing. Allele origin: germline. Affected: yes.

Illumina Laboratory Services, Illumina
Classification: Benign for Gray platelet syndrome. Last evaluated: 2018-01-13. Review status: criteria provided, single submitter. Criteria: ICSL Variant Classification Criteria 13 December 2019. Collection method: clinical testing. Allele origin: germline.
Comment: This variant was observed in the ICSL laboratory as part of a predisposition screen in an ostensibly healthy population. It had not been previously curated by ICSL or reported in the Human Gene Mutation Database (HGMD: prior to June 1st, 2018), and was therefore a candidate for classification through an automated scoring system. Utilizing variant allele frequency, disease prevalence and penetrance estimates, and inheritance mode, an automated score was calculated to assess if this variant is too frequent to cause the disease. Based on the score and internal cut-off values, a variant classified as benign is not then subjected to further curation. The score for this variant resulted in a classification of benign for this disease.

Breakthrough Genomics
Classification: Benign. Review status: criteria provided, single submitter. Criteria: ACMG Guidelines, 2015. Collection method: not provided. Allele origin: germline. Inheritance: Autosomal recessive inheritance. Affected: yes.

PreventionGenetics, part of Exact Sciences
Classification: Benign. Review status: criteria provided, single submitter. Criteria: ACMG Guidelines, 2015. Collection method: clinical testing. Allele origin: germline.